The following is an entry in ClinVar:

NM_205836.3(FBXO38):c.2157C>T (p.Asn719=)

Gene: FBXO38 (F-box protein 38; plus strand). Cytogenetic location: 5q32.
Variant type: single nucleotide variant.
Coding change: c.2157C>T on transcript NM_205836.3 (MANE Select); coding-DNA position 2157, C replaced by T.
Protein change: p.Asn719=; no amino-acid change (asparagine 719 retained).
Molecular consequence: synonymous variant. On other transcripts: intron variant (1).
Genome position (GRCh38, 1-based): chr5:148,427,451, C>T. VCF-style: chr5-148427451-C-T. GRCh37 (hg19) VCF-style: chr5-147807014-C-T.
Other names: c.2157C>T (NM_030793.4); c.2157C>T, p.Asn719= (NM_030793.5); c.1918+1750C>T (NM_001271723.2).
Identifiers: ClinVar variation 1918205 (VCV001918205.6), dbSNP rs374180472, ClinGen allele CA3497454.

ClinVar aggregate classification (germline): Likely benign. Review status: criteria provided, multiple submitters, no conflicts (2 of 4 stars). 2 submissions from 2 submitters: Likely benign (2). Last evaluated 2026-02-03.

Conditions:
FBXO38-related disorder. Also called: FBXO38-related condition.
Distal hereditary motor neuropathy type 2. Identifiers: Orphanet 139525, MedGen C3711384, MeSH C580044, MONDO:0015352.

Allele frequency attached by ClinVar (database versions not stated): gnomAD exomes below 0.00001; ExAC 0.00001; gnomAD 0.00008; TOPMed 0.00009; ESP Exome Variant Server 0.00015.
gnomAD v4.1: 19 of 1,614,124 alleles (0.0012%); highest among the groups gnomAD compares: African/African-American, 0.019%; 1 homozygote.

Submissions (2):

PreventionGenetics, part of Exact Sciences
Classification: Likely benign for FBXO38-related condition. Last evaluated: 2026-02-03. Review status: criteria provided, single submitter. Criteria: ACMG Guidelines, 2015. Collection method: clinical testing. Allele origin: germline.
Comment: This variant is classified as likely benign based on ACMG/AMP sequence variant interpretation guidelines (Richards et al. 2015 PMID: 25741868, with internal and published modifications).

Labcorp Genetics (formerly Invitae), Labcorp
Classification: Likely benign for Distal hereditary motor neuropathy type 2. Last evaluated: 2022-01-23. Review status: criteria provided, single submitter. Criteria: Invitae Variant Classification Sherloc (09022015). Collection method: clinical testing. Allele origin: germline.